The following is an entry in ClinVar:

ClinVar aggregate classification (germline): Uncertain significance. Review status: criteria provided, multiple submitters, no conflicts (2 of 4 stars). 2 submissions from 2 submitters: Uncertain significance (2). Last evaluated 2025-02-20.

Conditions:
Inborn genetic diseases. Identifiers: MedGen C0950123, MeSH D030342.
Developmental and epileptic encephalopathy. Identifiers: MedGen C5779964, MONDO:0100620.

Allele frequency attached by ClinVar (database versions not stated): gnomAD exomes below 0.00001; ExAC 0.00001.
gnomAD v4.1: 1 of 1,613,546 alleles (0.000062%); highest among the groups gnomAD compares: Non-Finnish European, 0.000085%; no homozygotes.

Submissions (2):

Ambry Genetics
Classification: Uncertain significance for Inborn genetic diseases. Last evaluated: 2025-02-20. Review status: criteria provided, single submitter. Criteria: Ambry Variant Classification Scheme 2023. Collection method: clinical testing. Allele origin: germline.
Comment: The c.1049A>G (p.N350S) alteration is located in exon 8 (coding exon 8) of the KCNQ2 gene. This alteration results from an A to G substitution at nucleotide position 1049, causing the asparagine (N) at amino acid position 350 to be replaced by a serine (S). Based on data from gnomAD, the G allele has an overall frequency of <0.001% (1/251138) total alleles studied. The highest observed frequency was 0.001% (1/113542) of European (non-Finnish) alleles. Other variant(s) at the same codon, c.1048A>C (p.N350H) and c.1049A>T (p.N350I), have been identified in individual(s) with features consistent with KCNQ2-related seizure disorder (Zeng, 2018; Yang, 2020). This amino acid position is highly conserved in available vertebrate species. This missense alteration is located in a region that has a low rate of benign missense variation (Lek, 2016; Firth, 2009). The in silico prediction for this alteration is inconclusive. Based on insufficient or conflicting evidence, the clinical significance of this alteration remains unclear.

Labcorp Genetics (formerly Invitae), Labcorp
Classification: Uncertain significance for Early-infantile DEE. Last evaluated: 2021-08-27. Review status: criteria provided, single submitter. Criteria: Invitae Variant Classification Sherloc (09022015). Collection method: clinical testing. Allele origin: germline.

Literature cited by the submitters: PubMed 29215089 (cited by Ambry Genetics); PubMed 32712949 (cited by Ambry Genetics).

NM_172107.4(KCNQ2):c.1049A>G (p.Asn350Ser)

Gene: KCNQ2 (potassium voltage-gated channel subfamily Q member 2; minus strand). Cytogenetic location: 20q13.33.
Variant type: single nucleotide variant.
Coding change: c.1049A>G on transcript NM_172107.4 (MANE Select); coding-DNA position 1049, A replaced by G.
Protein change: p.Asn350Ser; replaces asparagine 350 with serine.
Molecular consequence: missense variant.
Genome position (GRCh38, 1-based): chr20:63,433,878, T>C on the plus strand (A>G on the coding strand, the complement: KCNQ2 is on the minus strand). VCF-style: chr20-63433878-T-C. GRCh37 (hg19) VCF-style: chr20-62065231-T-C.
Other names: c.1049A>G, p.Asn350Ser (NM_001382235.1, NM_004518.6, NM_172106.3 and 2 more transcripts); c.1049A>G (NM_172107.2); short protein forms N350S.
Identifiers: ClinVar variation 1053550 (VCV001053550.6), dbSNP rs772800738, ClinGen allele CA9958649.
Genomic context (GRCh38, chr20:63,433,878, plus strand): 5'-GGCACGGTGACCGTTCGCTCGTAGTACTGCCACGTGGAGTGCAGGTCTGTGCGCGAGAGG[T>C]TGGTGGCGTAGAATCTCCAGGCCGACTGCGGAGGGAAAGACAAGGCAGTTGGCGAGGGGC-3'
Protein context (NP_742105.1, residues 340-360): IQSAWRFYAT[Asn350Ser]LSRTDLHSTW